The following is an entry in ClinVar:

NM_000218.3(KCNQ1):c.722T>G (p.Val241Gly)

Gene: KCNQ1 (potassium voltage-gated channel subfamily Q member 1; plus strand). Cytogenetic location: 11p15.5.
Variant type: single nucleotide variant.
Coding change: c.722T>G on transcript NM_000218.3 (MANE Select); coding-DNA position 722, T replaced by G.
Protein change: p.Val241Gly; replaces valine 241 with glycine.
Molecular consequence: missense variant.
Genome position (GRCh38, 1-based): chr11:2,572,051, T>G. VCF-style: chr11-2572051-T-G. GRCh37 (hg19) VCF-style: chr11-2593281-T-G.
Other names: c.722T>G (LRG_287t1); c.722T>G, p.Val241Gly (NM_001406836.1); c.452T>G, p.Val151Gly (NM_001406837.1); c.341T>G, p.Val114Gly (NM_181798.2); short protein forms V241G, V114G, V151G.
Identifiers: ClinVar variation 67098 (VCV000067098.3), dbSNP rs199472711, ClinGen allele CA007979.

ClinVar aggregate classification (germline): not provided (0 of 4 stars; one submission).

Conditions:
Familial long QT syndrome (RWS). Also called: Congenital long QT syndrome; Romano-Ward syndrome; VENTRICULAR FIBRILLATION WITH PROLONGED QT INTERVAL. Identifiers: Orphanet 768, MedGen C1141890, MONDO:0019171.

Submission:

Cardiovascular Biomedical Research Unit, Royal Brompton & Harefield NHS Foundation Trust
No classification provided. Condition: Familial long QT syndrome. Review status: no classification provided. Collection method: literature only. Allele origin: germline.
Comment: This variant has been reported as associated with Long QT syndrome in the following publications (PMID:19716085). This is a literature report, and does not necessarily reflect the clinical interpretation of the Imperial College / Royal Brompton Cardiovascular Genetics laboratory.

Literature cited by the submitters: PubMed 19716085; PubMed 22581653.